The following is an entry in ClinVar:

ClinVar aggregate classification (germline): Likely benign. Review status: criteria provided, multiple submitters, no conflicts (2 of 4 stars). 5 submissions from 5 submitters: Likely benign (4). 1 of the submissions does not count toward it. Last evaluated 2026-01-26.

Conditions:
Finnish congenital nephrotic syndrome (NPHS1). Also called: NEPHROTIC SYNDROME, TYPE 1. Identifiers: Orphanet 839, MedGen C0403399, MONDO:0009732, OMIM 256300.

Allele frequency attached by ClinVar (database versions not stated): ESP Exome Variant Server 0.00015; gnomAD 0.00015; 1000 Genomes Project 0.00020; TOPMed 0.00030; 1000 Genomes Project 30x 0.00031.
gnomAD v4.1: 50 of 1,614,132 alleles (0.0031%); highest among the groups gnomAD compares: African/African-American, 0.047%; no homozygotes.

Submissions (5):

Labcorp Genetics (formerly Invitae), Labcorp
Classification: Likely benign. Last evaluated: 2026-01-26. Review status: criteria provided, single submitter. Criteria: Invitae Variant Classification Sherloc (09022015). Collection method: clinical testing. Allele origin: germline.

CeGaT Center for Human Genetics Tuebingen
Classification: Likely benign. Last evaluated: 2025-11-01. Review status: criteria provided, single submitter. Criteria: CeGaT Center For Human Genetics Tuebingen Variant Classification Criteria Version 2. Collection method: clinical testing. Allele origin: germline. Affected: yes. Observed: 1 variant allele.
Comment: NPHS1: BP4, BP7

Fulgent Genetics
Classification: Likely benign for Finnish congenital nephrotic syndrome. Last evaluated: 2021-08-16. Review status: criteria provided, single submitter. Criteria: ACMG Guidelines, 2015. Collection method: clinical testing. Allele origin: unknown.

Breakthrough Genomics
Classification: Likely benign. Review status: criteria provided, single submitter. Criteria: ACMG Guidelines, 2015. Collection method: not provided. Allele origin: germline. Inheritance: Autosomal recessive inheritance. Affected: yes.

Natera, Inc.
Classification: Uncertain significance for Finnish congenital nephrotic syndrome. Last evaluated: 2020-02-13. Review status: no assertion criteria provided. Collection method: clinical testing. Allele origin: germline. Not counted in ClinVar's aggregate classification.

NM_004646.4(NPHS1):c.1104G>A (p.Pro368=)

Gene: NPHS1 (NPHS1 adhesion molecule, nephrin; minus strand). Cytogenetic location: 19q13.12.
Variant type: single nucleotide variant.
Coding change: c.1104G>A on transcript NM_004646.4 (MANE Select); coding-DNA position 1104, G replaced by A.
Protein change: p.Pro368=; no amino-acid change (proline 368 retained).
Molecular consequence: synonymous variant.
Genome position (GRCh38, 1-based): chr19:35,848,703, C>T on the plus strand (G>A on the coding strand, the complement: NPHS1 is on the minus strand). VCF-style: chr19-35848703-C-T. GRCh37 (hg19) VCF-style: chr19-36339605-C-T.
Identifiers: ClinVar variation 730356 (VCV000730356.20), dbSNP rs143178785, ClinGen allele CA9390551.